The following is an entry in ClinVar:

ClinVar aggregate classification (germline): Uncertain significance (1 of 4 stars; one submission).

Conditions:
Leigh syndrome (NULS). Also called: Leigh's necrotizing encephalopathy; Leigh's disease; Leigh's syndrome; LEIGH SYNDROME, NUCLEAR; Leigh Syndrome (mtDNA deletion); Leigh Disease. Identifiers: Orphanet 506, MedGen C2931891, MONDO:0009723, OMIM 256000.

Submission:

Wong Mito Lab, Molecular and Human Genetics, Baylor College of Medicine
Classification: Uncertain significance for Leigh syndrome. Last evaluated: 2019-10-17. Review status: criteria provided, single submitter. Criteria: Modified ACMG Guidelines (Unpublished). Collection method: clinical testing. Allele origin: germline.
Comment: The NC_012920.1:m.13835C>T (YP_003024036.1:p.Thr500Met) variant in MTND5 gene is interpretated to be a Uncertain Significance variant based on the modified ACMG guidelines (unpublished). This variant meets the following evidence codes: BP4

NC_012920.1(MT-ND5):m.13835C>T

Gene: MT-ND5 (mitochondrially encoded NADH dehydrogenase 5; plus strand).
Variant type: single nucleotide variant.
Genome position: chrM-13835-C-T.
Identifiers: ClinVar variation 693620 (VCV000693620.1), dbSNP rs1603224377, ClinGen allele CA414819722.